The following is an entry in ClinVar:

NM_001312909.2(FAM111A):c.1175G>C (p.Gly392Ala)

Gene: FAM111A (FAM111 trypsin like peptidase A; plus strand). Cytogenetic location: 11q12.1.
Variant type: single nucleotide variant.
Coding change: c.1175G>C on transcript NM_001312909.2 (MANE Select); coding-DNA position 1175, G replaced by C.
Protein change: p.Gly392Ala; replaces glycine 392 with alanine.
Molecular consequence: missense variant.
Genome position (GRCh38, 1-based): chr11:59,152,843, G>C. VCF-style: chr11-59152843-G-C. GRCh37 (hg19) VCF-style: chr11-58920316-G-C.
Other names: c.1175G>C (NM_001142520.1); c.1175G>C, p.Gly392Ala (NM_001142519.3, NM_001142520.3, NM_001142521.3 and 29 more transcripts); short protein forms G392A.
Identifiers: ClinVar variation 2994051 (VCV002994051.4), dbSNP rs923212345, ClinGen allele CA223177905.

ClinVar aggregate classification (germline): Uncertain significance. Review status: criteria provided, multiple submitters, no conflicts (2 of 4 stars). 2 submissions from 2 submitters: Uncertain significance (2). Last evaluated 2024-05-08.

Conditions:
Inborn genetic diseases. Identifiers: MedGen C0950123, MeSH D030342.

Allele frequency attached by ClinVar (database versions not stated): gnomAD exomes 0.00001; TOPMed 0.00001.
gnomAD v4.1: 10 of 1,614,144 alleles (0.00062%); highest among the groups gnomAD compares: Non-Finnish European, 0.00085%; no homozygotes.

Submissions (2):

Ambry Genetics
Classification: Uncertain significance for Inborn genetic diseases. Last evaluated: 2024-05-08. Review status: criteria provided, single submitter. Criteria: Ambry Variant Classification Scheme 2023. Collection method: clinical testing. Allele origin: germline.

Labcorp Genetics (formerly Invitae), Labcorp
Classification: Uncertain significance. Last evaluated: 2024-01-04. Review status: criteria provided, single submitter. Criteria: Invitae Variant Classification Sherloc (09022015). Collection method: clinical testing. Allele origin: germline.
Comment: This sequence change replaces glycine, which is neutral and non-polar, with alanine, which is neutral and non-polar, at codon 392 of the FAM111A protein (p.Gly392Ala). This variant is not present in population databases (gnomAD no frequency). This variant has not been reported in the literature in individuals affected with FAM111A-related conditions. Advanced modeling of protein sequence and biophysical properties (such as structural, functional, and spatial information, amino acid conservation, physicochemical variation, residue mobility, and thermodynamic stability) performed at Invitae indicates that this missense variant is expected to disrupt FAM111A protein function with a positive predictive value of 80%. In summary, the available evidence is currently insufficient to determine the role of this variant in disease. Therefore, it has been classified as a Variant of Uncertain Significance.